The following is an entry in ClinVar:

ClinVar aggregate classification (germline): Likely benign (1 of 4 stars; one submission).

Conditions:
PKD1-related disorder. Also called: PKD1-related condition.

gnomAD v4.1: 28 of 1,581,026 alleles (0.0018%); highest among the groups gnomAD compares: African/African-American, 0.0054%; no homozygotes.

Submission:

PreventionGenetics, part of Exact Sciences
Classification: Likely benign for PKD1-related condition. Last evaluated: 2026-03-31. Review status: criteria provided, single submitter. Criteria: ACMG Guidelines, 2015. Collection method: clinical testing. Allele origin: germline.
Comment: This variant is classified as likely benign based on ACMG/AMP sequence variant interpretation guidelines (Richards et al. 2015 PMID: 25741868, with internal and published modifications).

NM_001009944.3(PKD1):c.1443G>A (p.Ala481=)

Gene: PKD1 (polycystin 1, transient receptor potential channel interacting; minus strand). Cytogenetic location: 16p13.3.
Variant type: single nucleotide variant.
Coding change: c.1443G>A on transcript NM_001009944.3 (MANE Select); coding-DNA position 1443, G replaced by A.
Protein change: p.Ala481=; no amino-acid change (alanine 481 retained).
Molecular consequence: synonymous variant.
Genome position (GRCh38, 1-based): chr16:2,116,996, C>T on the plus strand (G>A on the coding strand, the complement: PKD1 is on the minus strand). VCF-style: chr16-2116996-C-T. GRCh37 (hg19) VCF-style: chr16-2166997-C-T.
Other names: c.1443G>A, p.Ala481= (NM_000296.4).
Identifiers: ClinVar variation 4981390 (VCV004981390.1).